The following is an entry in ClinVar:

ClinVar aggregate classification (germline): Benign/Likely benign. Review status: criteria provided, multiple submitters, no conflicts (2 of 4 stars). 3 submissions from 3 submitters: Benign (1); Likely benign (2). Last evaluated 2026-06-17.

Conditions:
Hereditary cancer-predisposing syndrome. Also called: Neoplastic Syndromes, Hereditary; Hereditary Cancer Syndrome; Hereditary neoplastic syndrome; Tumor predisposition. Identifiers: Orphanet 140162, MedGen C0027672, MeSH D009386, MONDO:0015356.
Polyps, multiple and recurrent inflammatory fibroid, gastrointestinal. Identifiers: MedGen C5193005, MONDO:0008285, OMIM 175510.
Gastrointestinal stromal tumor. Also called: Gastrointestinal stromal tumor, somatic; Gastrointestinal stroma tumor. Identifiers: Orphanet 44890, MedGen C0238198, MeSH D046152, MONDO:0011719, OMIM 606764, HP:0100723.

Allele frequency attached by ClinVar (database versions not stated): gnomAD 0.00003 and 0.00001; gnomAD exomes 0.00001; TOPMed 0.00001.
gnomAD v4.1: 19 of 1,613,720 alleles (0.0012%); highest among the groups gnomAD compares: Admixed American, 0.0017%; no homozygotes.

Submissions (3):

Myriad Genetics, Inc.
Classification: Benign for Polyps, multiple and recurrent inflammatory fibroid, gastrointestinal. Last evaluated: 2026-06-17. Review status: criteria provided, single submitter. Criteria: Myriad Autosomal Dominant, Autosomal Recessive and X-Linked Classification Criteria (2023). Collection method: clinical testing. Allele origin: unknown.
Comment: This variant is considered benign. This variant is a silent/synonymous amino acid change and it is not expected to impact splicing.

Labcorp Genetics (formerly Invitae), Labcorp
Classification: Likely benign for Gastrointestinal stromal tumor. Last evaluated: 2024-12-09. Review status: criteria provided, single submitter. Criteria: Invitae Variant Classification Sherloc (09022015). Collection method: clinical testing. Allele origin: germline.

Ambry Genetics
Classification: Likely benign for Hereditary cancer-predisposing syndrome. Last evaluated: 2022-12-17. Review status: criteria provided, single submitter. Criteria: Ambry Variant Classification Scheme 2023. Collection method: clinical testing. Allele origin: germline.

NM_006206.6(PDGFRA):c.2055T>C (p.Tyr685=)

Gene: PDGFRA (platelet derived growth factor receptor alpha; plus strand). Cytogenetic location: 4q12.
Variant type: single nucleotide variant.
Coding change: c.2055T>C on transcript NM_006206.6 (MANE Select); coding-DNA position 2055, T replaced by C.
Protein change: p.Tyr685=; no amino-acid change (tyrosine 685 retained).
Molecular consequence: synonymous variant.
Genome position (GRCh38, 1-based): chr4:54,278,414, T>C. VCF-style: chr4-54278414-T-C. GRCh37 (hg19) VCF-style: chr4-55144581-T-C.
Other names: c.2055T>C, p.Tyr685= (NM_001347827.2, NM_001347829.2); c.2130T>C, p.Tyr710= (NM_001347828.2); c.2094T>C, p.Tyr698= (NM_001347830.2).
Identifiers: ClinVar variation 751832 (VCV000751832.13), dbSNP rs1005774933, ClinGen allele CA96861885.